The following is an entry in ClinVar:

ClinVar aggregate classification (germline): Uncertain significance. Review status: criteria provided, multiple submitters, no conflicts (2 of 4 stars). 2 submissions from 2 submitters: Uncertain significance (2). Last evaluated 2024-09-02.

Conditions:
Bethlem myopathy 1A. Also called: Bethlem Muscular Dystrophy; MYOPATHY, BENIGN CONGENITAL, WITH CONTRACTURES; Bethlem myopathy 1. Identifiers: Orphanet 610, MedGen CN029274, MONDO:0024530, OMIM 158810.

gnomAD v4.1: 2 of 1,614,082 alleles (0.00012%); highest among the groups gnomAD compares: Non-Finnish European, 0.000085%; no homozygotes.

Submissions (2):

Labcorp Genetics (formerly Invitae), Labcorp
Classification: Uncertain significance for Bethlem myopathy 1A. Last evaluated: 2024-09-02. Review status: criteria provided, single submitter. Criteria: Invitae Variant Classification Sherloc (09022015). Collection method: clinical testing. Allele origin: germline.
Comment: This sequence change replaces glycine, which is neutral and non-polar, with tryptophan, which is neutral and slightly polar, at codon 2291 of the COL6A3 protein (p.Gly2291Trp). This variant is not present in population databases (gnomAD no frequency). This variant has not been reported in the literature in individuals affected with COL6A3-related conditions. ClinVar contains an entry for this variant (Variation ID: 162552). Invitae Evidence Modeling of protein sequence and biophysical properties (such as structural, functional, and spatial information, amino acid conservation, physicochemical variation, residue mobility, and thermodynamic stability) indicates that this missense variant is expected to disrupt COL6A3 protein function with a positive predictive value of 80%. This variant disrupts the triple helix domain of COL6A3. Glycine residues within the Gly-Xaa-Yaa repeats of the triple helix domain are required for the structure and stability of fibrillar collagens (PMID: 7695699, 8218237, 19344236). In COL6A3, missense variants at these glycine residues are significantly enriched in individuals with autosomal dominant disease (PMID: 15689448, 24038877) compared to the general population (ExAC). In summary, the available evidence is currently insufficient to determine the role of this variant in disease. Therefore, it has been classified as a Variant of Uncertain Significance.

Eurofins Ntd Llc (ga)
Classification: Uncertain significance. Last evaluated: 2016-06-13. Review status: criteria provided, single submitter. Criteria: EGL Classification Definitions 2015. Collection method: clinical testing. Allele origin: germline. Observed: 1 variant allele, 1 heterozygote.

Literature cited by the submitters: PubMed 7695699 (cited by Labcorp Genetics (formerly Invitae), Labcorp); PubMed 8218237 (cited by Labcorp Genetics (formerly Invitae), Labcorp); PubMed 19344236 (cited by Labcorp Genetics (formerly Invitae), Labcorp); PubMed 15689448 (cited by Labcorp Genetics (formerly Invitae), Labcorp); PubMed 24038877 (cited by Labcorp Genetics (formerly Invitae), Labcorp).

NM_004369.4(COL6A3):c.6871G>T (p.Gly2291Trp)

Gene: COL6A3 (collagen type VI alpha 3 chain; minus strand). Cytogenetic location: 2q37.3.
Variant type: single nucleotide variant.
Coding change: c.6871G>T on transcript NM_004369.4 (MANE Select); coding-DNA position 6871, G replaced by T.
Protein change: p.Gly2291Trp; replaces glycine 2291 with tryptophan.
Molecular consequence: missense variant.
Genome position (GRCh38, 1-based): chr2:237,350,155, C>A on the plus strand (G>T on the coding strand, the complement: COL6A3 is on the minus strand). VCF-style: chr2-237350155-C-A. GRCh37 (hg19) VCF-style: chr2-238258798-C-A.
Other names: c.5050G>T, p.Gly1684Trp (NM_057166.5); c.6253G>T, p.Gly2085Trp (NM_057167.4); short protein forms G2291W, G1684W, G2085W.
Identifiers: ClinVar variation 162552 (VCV000162552.7), dbSNP rs727502836, ClinGen allele CA295317.